The following is an entry in ClinVar:

NM_000138.5(FBN1):c.4337-55dup

Gene: FBN1 (fibrillin 1; minus strand). Cytogenetic location: 15q21.1.
Variant type: Duplication.
Coding change: c.4337-55dup on transcript NM_000138.5 (MANE Select); 55 bases into the intron before coding-DNA position 4337, one base duplicated (T; older notation c.4337-55dupT).
Molecular consequence: intron variant.
Genome position (GRCh38, 1-based): chr15:48,470,804, A duplicated on the plus strand (T on the coding strand, the reverse complement: FBN1 is on the minus strand); the first of 8 consecutive A bases (chr15:48,470,804-48,470,811); duplicating any one gives the same sequence. VCF-style (leftmost placement, unchanged base first): chr15-48470803-T-TA. GRCh37 (hg19) VCF-style: chr15-48763000-T-TA.
Other names: c.4337-48dupT (NM_000138.4, NM_000138.5); c.4337-48dup (NM_000138.4).
Identifiers: ClinVar variation 1167048 (VCV001167048.18), dbSNP rs138034853, ClinGen allele CA7547920.

ClinVar aggregate classification (germline): Benign. Review status: criteria provided, multiple submitters, no conflicts (2 of 4 stars). 6 submissions from 6 submitters: Benign (5). 1 of the submissions does not count toward it. Last evaluated 2026-06-01.

Conditions:
Marfan syndrome (MFS). Also called: Marfan syndrome type 1; Marfan's syndrome; MARFAN SYNDROME, TYPE I; FBN1-Related Marfan Syndrome; Marfan syndrome, classic. Identifiers: Orphanet 284963, Orphanet 558, MedGen C0024796, MONDO:0007947, OMIM 154700.
Familial thoracic aortic aneurysm and aortic dissection (TAAD). Also called: Thoracic aortic aneurysms and dissections. Identifiers: Orphanet 91387, MedGen C4707243, MONDO:0019625.
FBN1-related disorder. Also called: FBN1-related disorders.

Submissions (6):

CeGaT Center for Human Genetics Tuebingen
Classification: Benign. Last evaluated: 2026-06-01. Review status: criteria provided, single submitter. Criteria: CeGaT Center For Human Genetics Tuebingen Variant Classification Criteria Version 2. Collection method: clinical testing. Allele origin: germline. Affected: yes. Observed: 1 variant allele.
Comment: FBN1: BS1, BS2

Athena Diagnostics
Classification: Benign. Last evaluated: 2024-12-20. Review status: criteria provided, single submitter. Criteria: Athena Diagnostics Criteria. Collection method: clinical testing. Allele origin: unknown.
Comment: The frequency of this variant in the general population is higher than would generally be expected for pathogenic variants in this gene. Computational tools yielded predictions that this variant is unlikely to have an effect on normal RNA splicing.

Women's Health and Genetics/Laboratory Corporation of America, LabCorp
Classification: Benign. Last evaluated: 2024-12-19. Review status: criteria provided, single submitter. Criteria: LabCorp Variant Classification Summary - May 2015. Collection method: clinical testing. Allele origin: germline.
Comment: Variant summary: FBN1 c.4337-48dupT is located at a position not widely known to affect splicing. Several computational tools predict a significant impact on normal splicing: Three predict the variant no significant impact on splicing. One predict the variant strengthens a cryptic 3' acceptor site. One predict the variant creates a 3' acceptor site. However, these predictions have yet to be confirmed by functional studies. The variant allele was found at a frequency of 0.0021 in 206000 control chromosomes in the gnomAD database, including 8 homozygotes. The observed variant frequency is approximately 18 fold of the estimated maximal expected allele frequency for a pathogenic variant in FBN1 causing Marfan Syndrome phenotype (0.00011). c.4337-48dupT has been reported in the literature in individuals affected with Marfan Syndrome. These data do not allow any conclusion about variant significance. To our knowledge, no experimental evidence demonstrating an impact on protein function has been reported. ClinVar contains an entry for this variant (Variation ID: 1167048). Based on the evidence outlined above, the variant was classified as benign.

Labcorp Genetics (formerly Invitae), Labcorp
Classification: Benign for Marfan syndrome; Familial thoracic aortic aneurysm and aortic dissection. Last evaluated: 2024-12-16. Review status: criteria provided, single submitter. Criteria: Invitae Variant Classification Sherloc (09022015). Collection method: clinical testing. Allele origin: germline.

GeneDx
Classification: Benign. Last evaluated: 2019-05-10. Review status: criteria provided, single submitter. Criteria: GeneDx Variant Classification Process June 2021. Collection method: clinical testing. Allele origin: germline. Affected: yes.
Comment: This variant is associated with the following publications: (PMID: 17627385, 32123317)

PreventionGenetics, part of Exact Sciences
Classification: Benign for FBN1-related condition. Last evaluated: 2021-02-23. Review status: no assertion criteria provided. Collection method: clinical testing. Allele origin: germline. Not counted in ClinVar's aggregate classification.
Comment: This variant is classified as benign based on ACMG/AMP sequence variant interpretation guidelines (Richards et al. 2015 PMID: 25741868, with internal and published modifications).

Literature cited by the submitters: PubMed 17627385 (cited by Athena Diagnostics and Women's Health and Genetics/Laboratory Corporation of America, LabCorp).